The following is an entry in ClinVar:

ClinVar aggregate classification (germline): Pathogenic. Review status: criteria provided, single submitter (1 of 4 stars). 2 submissions from 2 submitters: Pathogenic (1). 1 of the submissions does not count toward it. Last evaluated 2019-09-13.

Conditions:
Pulmonary hypertension, primary, 1 (PPH1). Also called: Pulmonary hypertension, familial primary, 1, with or without HHT. Identifiers: Orphanet 422, MedGen C4552070, MONDO:0024533, OMIM 178600.

Submissions (2):

ARUP Laboratories, Molecular Genetics and Genomics, ARUP Laboratories
Classification: Pathogenic. Last evaluated: 2019-09-13. Review status: criteria provided, single submitter. Criteria: ARUP Molecular Germline Variant Investigation Process. Collection method: clinical testing. Allele origin: germline.
Comment: The BMPR2 c.1376_1377delGA; p.Arg459fs variant (rs1085307342) has been described in at least one individual with primary pulmonary hypertension (PPH; Sankelo 2005). It contains an entry in ClinVar (Variation ID: 425931) and is absent from general population databases (Exome Variant Server and Genome Aggregation Database), indicating it is not a common polymorphism. That variant causes a frameshift by deleting 2 nucleotides, so it is predicted to result in a truncated protein or mRNA subject to nonsense-mediated decay. Additionally, another frameshift variant at this codon (c.1375_1376delAG; p.Arg459fs) has been described in an individual with PPH (Morisaki 2004). Based on available information, the c.1376_1377delGA variant is considered pathogenic. REFERENCES Morisaki H et al. BMPR2 mutations found in Japanese patients with familial and sporadic primary pulmonary hypertension. Hum Mutat. 2004 Jun;23(6):632. Sankelo M et al. BMPR2 mutations have short lifetime expectancy in primary pulmonary hypertension. Hum Mutat. 2005 Aug;26(2):119-24.

Rare Disease Genomics Group, St George's University of London
Classification: Pathogenic for Primary pulmonary hypertension. Review status: no assertion criteria provided. Collection method: literature only. Allele origin: germline. Affected: yes. Not counted in ClinVar's aggregate classification.

Literature cited by the submitters: PubMed 15146475 (cited by Rare Disease Genomics Group, St George's University of London); PubMed 15965979 (cited by Rare Disease Genomics Group, St George's University of London).

NM_001204.7(BMPR2):c.1376_1377del (p.Arg459fs)

Gene: BMPR2 (bone morphogenetic protein receptor type 2; plus strand). Cytogenetic location: 2q33.2.
Variant type: Microsatellite.
Coding change: c.1376_1377del on transcript NM_001204.7 (MANE Select); coding-DNA positions 1376 to 1377, 2 bases deleted (GA; older notation c.1376_1377delGA).
Protein change: p.Arg459fs; shifts the reading frame from arginine 459.
Molecular consequence: frameshift variant.
Genome position (GRCh38, 1-based): chr2:202,542,410-202,542,411, GA deleted; deleting any 2 consecutive bases within chr2:202,542,407-202,542,411 gives the same sequence; the c. name uses the placement nearest the transcript's 3' end. VCF-style (leftmost placement, unchanged base first): chr2-202542406-CAG-C. GRCh37 (hg19) VCF-style: chr2-203407129-CAG-C.
Other names: short protein forms R459fs.
Identifiers: ClinVar variation 425931 (VCV000425931.12), dbSNP rs1085307342, ClinGen allele CA645293847.
Genomic context (GRCh38, chr2:202,542,406, plus strand): 5'-ACAGAGGTTGGAAACCATCCCACTTTTGAGGATATGCAGGTTCTCGTGTCTAGGGAAAAA[CAG>C]AGACCCAAGTTCCCAGAAGCCTGGAAAGAAAATAGCCTGGTAAGAAAAAACTAAGTTATT-3'